The following is an entry in ClinVar:

ClinVar aggregate classification (germline): Uncertain significance (1 of 4 stars; one submission).

Submission:

Ambry Genetics
Classification: Uncertain significance. Last evaluated: 2026-08-27. Review status: criteria provided, single submitter. Criteria: Ambry Variant Classification Scheme 2023. Collection method: clinical testing. Allele origin: germline.
Comment: The p.D985H variant (also known as c.2953G>C), located in coding exon 1 of the MLH3 gene, results from a G to C substitution at nucleotide position 2953. The aspartic acid at codon 985 is replaced by histidine, an amino acid with similar properties. This amino acid position is conserved. In addition, this alteration is predicted to be tolerated by in silico analysis. Based on the available evidence, the clinical significance of this variant remains unclear.

NM_001040108.2(MLH3):c.2953G>C (p.Asp985His)

Gene: MLH3 (mutL homolog 3; minus strand). Cytogenetic location: 14q24.3.
Variant type: single nucleotide variant.
Coding change: c.2953G>C on transcript NM_001040108.2 (MANE Select); coding-DNA position 2953, G replaced by C.
Protein change: p.Asp985His; replaces aspartic acid 985 with histidine.
Molecular consequence: missense variant.
Genome position (GRCh38, 1-based): chr14:75,046,703, C>G on the plus strand (G>C on the coding strand, the complement: MLH3 is on the minus strand). VCF-style: chr14-75046703-C-G. GRCh37 (hg19) VCF-style: chr14-75513406-C-G.
Other names: c.2953G>C, p.Asp985His (NM_014381.3); short protein forms D985H.
Identifiers: ClinVar variation 5024639 (VCV005024639.1).
Genomic context (GRCh38, chr14:75,046,703, plus strand): 5'-ACATTCCACTGGGAGAGTCAAGACTTCCTATCTGTTGTTCTGAGGCTCTGATAAGAACAT[C>G]TGAATCTTTACCGGTAACTTTAGAATTATTATAGGGCAATACCAAAGGAGTTTCTGATAT-3'
Protein context (NP_001035197.1, residues 975-995): NNSKVTGKDS[Asp985His]VLIRASEQQI